The following is an entry in ClinVar:

ClinVar aggregate classification (germline): Uncertain significance (1 of 4 stars; one submission).

Conditions:
Pyruvate carboxylase deficiency. Also called: ATAXIA WITH LACTIC ACIDOSIS II; LEIGH NECROTIZING ENCEPHALOPATHY DUE TO PYRUVATE CARBOXYLASE DEFICIENCY; LEIGH SYNDROME DUE TO PYRUVATE CARBOXYLASE DEFICIENCY; PC DEFICIENCY; Pyruvate Carboxylase Deficiency Disease. Identifiers: Orphanet 3008, MedGen C0034341, MONDO:0009949, OMIM 266150.

Allele frequency attached by ClinVar (database versions not stated): gnomAD exomes below 0.00001; TOPMed below 0.00001.
gnomAD v4.1: 2 of 1,612,100 alleles (0.00012%); highest among the groups gnomAD compares: East Asian, 0.0022%; no homozygotes.

Submission:

Labcorp Genetics (formerly Invitae), Labcorp
Classification: Uncertain significance for Pyruvate carboxylase deficiency. Last evaluated: 2024-04-08. Review status: criteria provided, single submitter. Criteria: Invitae Variant Classification Sherloc (09022015). Collection method: clinical testing. Allele origin: germline.
Comment: This sequence change replaces alanine, which is neutral and non-polar, with valine, which is neutral and non-polar, at codon 778 of the PC protein (p.Ala778Val). This variant is not present in population databases (gnomAD no frequency). This variant has not been reported in the literature in individuals affected with PC-related conditions. ClinVar contains an entry for this variant (Variation ID: 1448922). Advanced modeling of protein sequence and biophysical properties (such as structural, functional, and spatial information, amino acid conservation, physicochemical variation, residue mobility, and thermodynamic stability) has been performed at Invitae for this missense variant, however the output from this modeling did not meet the statistical confidence thresholds required to predict the impact of this variant on PC protein function. In summary, the available evidence is currently insufficient to determine the role of this variant in disease. Therefore, it has been classified as a Variant of Uncertain Significance.

NM_001040716.2(PC):c.2333C>T (p.Ala778Val)

Gene: PC (pyruvate carboxylase; minus strand). Cytogenetic location: 11q13.2.
Variant type: single nucleotide variant.
Coding change: c.2333C>T on transcript NM_001040716.2 (MANE Select); coding-DNA position 2333, C replaced by T.
Protein change: p.Ala778Val; replaces alanine 778 with valine.
Molecular consequence: missense variant.
Genome position (GRCh38, 1-based): chr11:66,850,814, G>A on the plus strand (C>T on the coding strand, the complement: PC is on the minus strand). VCF-style: chr11-66850814-G-A. GRCh37 (hg19) VCF-style: chr11-66618285-G-A.
Other names: c.2333C>T, p.Ala778Val (NM_000920.4, NM_022172.3); short protein forms A778V.
Identifiers: ClinVar variation 1448922 (VCV001448922.7), dbSNP rs1272540070, ClinGen allele CA381493199.
Genomic context (GRCh38, chr11:66,850,814, plus strand): 5'-GCTGCCACATCCACCACATCAGCTCCAGCCTGGGCACAGGCCAGCATGGCTGCCACGCCT[G>A]CCCCTGACGTGTCGTGGGTGTGGATGTGCAGTGGGAGGTCGGGGAAGCGGTCCCGGAGGG-3'
Protein context (NP_001035806.1, residues 768-788): LHIHTHDTSG[Ala778Val]GVAAMLACAQ